The following is an entry in ClinVar:

ClinVar aggregate classification (germline): Pathogenic/Likely pathogenic. Review status: criteria provided, multiple submitters, no conflicts (2 of 4 stars). 4 submissions from 4 submitters: Pathogenic (1); Likely pathogenic (3). Last evaluated 2026-04-14.

Conditions:
GJB2-related disorder. Also called: GJB2-related condition; GJB2-related disorders. Identifiers: MedGen CN382183, MONDO:1060236.
Autosomal recessive nonsyndromic hearing loss 1A (DFNB1A). Also called: GJB6-Related DFNB 1 Nonsyndromic Hearing Loss and Deafness; Deafness, autosomal recessive 1A; Connexin 26 deafness; Deafness nonsyndromic, Connexin 26 linked; Nonsyndromic Hearing Loss and Deafness, DFNB1; GJB2-Related Autosomal Recessive Nonsyndromic Hearing Loss. Identifiers: Orphanet 90636, MedGen C2673759, MONDO:0009076, OMIM 220290.

Submissions (4):

PreventionGenetics, part of Exact Sciences
Classification: Likely pathogenic for GJB2-related condition. Last evaluated: 2026-04-14. Review status: criteria provided, single submitter. Criteria: ACMG Guidelines, 2015. Collection method: clinical testing. Allele origin: germline.
Comment: The GJB2 c.28delC variant is predicted to result in a frameshift and premature protein termination (p.Leu10Trpfs*4). This variant has been reported in an individual with autosomal recessive hearing loss (Snoeckx et al. 2005. PubMed ID: 16380907). This variant is reported in 0.0065% of alleles in individuals of European (non-Finnish) descent in gnomAD. Frameshift variants in GJB2 are expected to be pathogenic. This variant is interpreted as likely pathogenic.

Labcorp Genetics (formerly Invitae), Labcorp
Classification: Pathogenic. Last evaluated: 2025-05-22. Review status: criteria provided, single submitter. Criteria: Invitae Variant Classification Sherloc (09022015). Collection method: clinical testing. Allele origin: germline.
Comment: This sequence change creates a premature translational stop signal (p.Leu10Trpfs*4) in the GJB2 gene. While this is not anticipated to result in nonsense mediated decay, it is expected to disrupt the last 217 amino acid(s) of the GJB2 protein. This variant is present in population databases (no rsID available, gnomAD 0.007%). This premature translational stop signal has been observed in individual(s) with GJB2-related conditions (PMID: 16380907). ClinVar contains an entry for this variant (Variation ID: 1446999). This variant disrupts a region of the GJB2 protein in which other variant(s) (p.Cys211Leufs*5) have been determined to be pathogenic (PMID: 9529365, 12910486, 20863150). This suggests that this is a clinically significant region of the protein, and that variants that disrupt it are likely to be disease-causing. For these reasons, this variant has been classified as Pathogenic.

Natera, Inc.
Classification: Likely pathogenic for Autosomal recessive deafness type 1A. Last evaluated: 2025-03-31. Review status: criteria provided, single submitter. Criteria: Natera Variant Classification Schema (03/2026). Collection method: clinical testing. Allele origin: germline.
Comment: The c.28delC variant in GJB2 is a frameshift variant predicted to shift the reading frame beginning at codon 10 and leads to a stop codon 4 codons downstream. This variant is expected to result in nonsense mediated decay, truncation, or a dysfunctional protein product. This variant is rare in the general population with a frequency below the threshold expected for the associated phenotype(s). This variant has been observed in one or more individuals affected with the associated recessive disease, as either homozygous or compound heterozygous with a second variant (PMID: 16380907). Given the available evidence, this variant is classified as Likely Pathogenic.

Blueprint Genetics
Classification: Likely pathogenic for GJB2-related disorders. Last evaluated: 2022-09-14. Review status: criteria provided, single submitter. Criteria: ACMG Guidelines, 2015. Collection method: clinical testing. Allele origin: germline. Affected: yes. Observed: 1 variant allele.

Literature cited by the submitters: PubMed 16380907 (cited by Labcorp Genetics (formerly Invitae), Labcorp and Natera, Inc.); PubMed 9529365 (cited by Labcorp Genetics (formerly Invitae), Labcorp); PubMed 12910486 (cited by Labcorp Genetics (formerly Invitae), Labcorp); PubMed 20863150 (cited by Labcorp Genetics (formerly Invitae), Labcorp).

NM_004004.6(GJB2):c.28del (p.Leu10fs)

Gene: GJB2 (gap junction protein beta 2; minus strand). Cytogenetic location: 13q12.11.
Variant type: Deletion.
Coding change: c.28del on transcript NM_004004.6 (MANE Select); coding-DNA position 28, one base deleted (C; older notation c.28delC).
Protein change: p.Leu10fs; shifts the reading frame from leucine 10.
Molecular consequence: frameshift variant.
Genome position (GRCh38, 1-based): chr13:20,189,554, G deleted on the plus strand (C on the coding strand, the reverse complement: GJB2 is on the minus strand); the first of 2 consecutive G bases (chr13:20,189,554-20,189,555); deleting either gives the same sequence. VCF-style (leftmost placement, unchanged base first): chr13-20189553-AG-A. GRCh37 (hg19) VCF-style: chr13-20763692-AG-A.
Other names: c.28delC (NM_004004.5); short protein forms L10fs.
Identifiers: ClinVar variation 1446999 (VCV001446999.11), dbSNP rs1441862662, ClinGen allele CA608984147.